The following is an entry in ClinVar:

ClinVar aggregate classification (germline): Likely pathogenic (1 of 4 stars; one submission).

Conditions:
Catecholaminergic polymorphic ventricular tachycardia 1. Also called: VENTRICULAR TACHYCARDIA, STRESS-INDUCED POLYMORPHIC 1; RYR2-Related Catecholaminergic Polymorphic Ventricular Tachycardia; VENTRICULAR TACHYCARDIA, CATECHOLAMINERGIC POLYMORPHIC, 1, WITH OR WITHOUT ATRIAL DYSFUNCTION AND/OR DILATED CARDIOMYOPATHY. Identifiers: Orphanet 3286, MedGen C1631597, MONDO:0011484, OMIM 604772.

Submission:

Labcorp Genetics (formerly Invitae), Labcorp
Classification: Likely pathogenic for Catecholaminergic polymorphic ventricular tachycardia 1. Last evaluated: 2022-02-22. Review status: criteria provided, single submitter. Criteria: Invitae Variant Classification Sherloc (09022015). Collection method: clinical testing. Allele origin: germline.
Comment: This sequence change replaces valine, which is neutral and non-polar, with phenylalanine, which is neutral and non-polar, at codon 2306 of the RYR2 protein (p.Val2306Phe). This variant is not present in population databases (gnomAD no frequency). This variant has not been reported in the literature in individuals affected with RYR2-related conditions. Advanced modeling of protein sequence and biophysical properties (such as structural, functional, and spatial information, amino acid conservation, physicochemical variation, residue mobility, and thermodynamic stability) performed at Invitae indicates that this missense variant is expected to disrupt RYR2 protein function. Algorithms developed to predict the effect of sequence changes on RNA splicing suggest that this variant may disrupt the consensus splice site. This variant disrupts the p.Val2306 amino acid residue in RYR2. Other variant(s) that disrupt this residue have been determined to be pathogenic (PMID: 14571276; Invitae). This suggests that this residue is clinically significant, and that variants that disrupt this residue are likely to be disease-causing. In summary, the currently available evidence indicates that the variant is pathogenic, but additional data are needed to prove that conclusively. Therefore, this variant has been classified as Likely Pathogenic.

Literature cited by the submitters: PubMed 14571276.

NM_001035.3(RYR2):c.6916G>T (p.Val2306Phe)

Gene: RYR2 (ryanodine receptor 2; plus strand). Cytogenetic location: 1q43.
Variant type: single nucleotide variant.
Coding change: c.6916G>T on transcript NM_001035.3 (MANE Select); coding-DNA position 6916, G replaced by T.
Protein change: p.Val2306Phe; replaces valine 2306 with phenylalanine.
Molecular consequence: missense variant.
Genome position (GRCh38, 1-based): chr1:237,638,480, G>T. VCF-style: chr1-237638480-G-T. GRCh37 (hg19) VCF-style: chr1-237801780-G-T.
Other names: short protein forms V2306F.
Identifiers: ClinVar variation 2101383 (VCV002101383.4), dbSNP rs794728746, ClinGen allele CA345395687.